The following is an entry in ClinVar:

NM_016239.4(MYO15A):c.5198G>A (p.Arg1733Gln)

Gene: MYO15A (myosin XVA; plus strand). Cytogenetic location: 17p11.2.
Variant type: single nucleotide variant.
Coding change: c.5198G>A on transcript NM_016239.4 (MANE Select); coding-DNA position 5198, G replaced by A.
Protein change: p.Arg1733Gln; replaces arginine 1733 with glutamine.
Molecular consequence: missense variant.
Genome position (GRCh38, 1-based): chr17:18,139,598, G>A. VCF-style: chr17-18139598-G-A. GRCh37 (hg19) VCF-style: chr17-18042912-G-A.
Other names: short protein forms R1733Q.
Identifiers: ClinVar variation 1899204 (VCV001899204.4), dbSNP rs756804069, ClinGen allele CA8424177.

ClinVar aggregate classification (germline): Uncertain significance (1 of 4 stars; one submission).

Allele frequency attached by ClinVar (database versions not stated): ExAC 0.00001; gnomAD exomes 0.00001; gnomAD 0.00008.

Submission:

Labcorp Genetics (formerly Invitae), Labcorp
Classification: Uncertain significance. Last evaluated: 2024-07-17. Review status: criteria provided, single submitter. Criteria: Invitae Variant Classification Sherloc (09022015). Collection method: clinical testing. Allele origin: germline.
Comment: This sequence change replaces arginine, which is basic and polar, with glutamine, which is neutral and polar, at codon 1733 of the MYO15A protein (p.Arg1733Gln). This variant is present in population databases (rs756804069, gnomAD 0.006%). This variant has not been reported in the literature in individuals affected with MYO15A-related conditions. ClinVar contains an entry for this variant (Variation ID: 1899204). Advanced modeling of protein sequence and biophysical properties (such as structural, functional, and spatial information, amino acid conservation, physicochemical variation, residue mobility, and thermodynamic stability) performed at Invitae indicates that this missense variant is not expected to disrupt MYO15A protein function with a negative predictive value of 95%. In summary, the available evidence is currently insufficient to determine the role of this variant in disease. Therefore, it has been classified as a Variant of Uncertain Significance.